The following is an entry in ClinVar:

NM_005461.5(MAFB):c.237G>A (p.Lys79=)

Gene: MAFB (MAF bZIP transcription factor B; minus strand). Cytogenetic location: 20q12.
Variant type: single nucleotide variant.
Coding change: c.237G>A on transcript NM_005461.5 (MANE Select); coding-DNA position 237, G replaced by A.
Protein change: p.Lys79=; no amino-acid change (lysine 79 retained).
Molecular consequence: synonymous variant.
Genome position (GRCh38, 1-based): chr20:40,688,614, C>T on the plus strand (G>A on the coding strand, the complement: MAFB is on the minus strand). VCF-style: chr20-40688614-C-T. GRCh37 (hg19) VCF-style: chr20-39317254-C-T.
Identifiers: ClinVar variation 2762507 (VCV002762507.3), dbSNP rs1568743828, ClinGen allele CA510757905.

ClinVar aggregate classification (germline): Uncertain significance (1 of 4 stars; one submission).

Allele frequency attached by ClinVar (database versions not stated): gnomAD exomes below 0.00001.
gnomAD v4.1: 2 of 1,614,152 alleles (0.00012%); highest among the groups gnomAD compares: South Asian, 0.0011%; no homozygotes.

Submission:

Labcorp Genetics (formerly Invitae), Labcorp
Classification: Uncertain significance. Last evaluated: 2025-10-21. Review status: criteria provided, single submitter. Criteria: Invitae Variant Classification Sherloc (09022015). Collection method: clinical testing. Allele origin: germline.
Comment: This sequence change affects codon 79 of the MAFB mRNA. It is a 'silent' change, meaning that it does not change the encoded amino acid sequence of the MAFB protein. This variant is not present in population databases (gnomAD no frequency). This variant has not been reported in the literature in individuals affected with MAFB-related conditions. ClinVar contains an entry for this variant (Variation ID: 2762507). In summary, the available evidence is currently insufficient to determine the role of this variant in disease. Therefore, it has been classified as a Variant of Uncertain Significance.